The following is an entry in ClinVar:

NM_005535.3(IL12RB1):c.602A>C (p.Glu201Ala)

Gene: IL12RB1 (interleukin 12 receptor subunit beta 1; minus strand). Cytogenetic location: 19p13.11.
Variant type: single nucleotide variant.
Coding change: c.602A>C on transcript NM_005535.3 (MANE Select); coding-DNA position 602, A replaced by C.
Protein change: p.Glu201Ala; replaces glutamic acid 201 with alanine.
Molecular consequence: missense variant.
Genome position (GRCh38, 1-based): chr19:18,075,847, T>G on the plus strand (A>C on the coding strand, the complement: IL12RB1 is on the minus strand). VCF-style: chr19-18075847-T-G. GRCh37 (hg19) VCF-style: chr19-18186657-T-G.
Other names: c.602A>C, p.Glu201Ala (NM_001290023.2, NM_153701.3); c.722A>C, p.Glu241Ala (NM_001290024.2); short protein forms E241A, E201A.
Identifiers: ClinVar variation 788260 (VCV000788260.17), dbSNP rs139505765, ClinGen allele CA9305140.

ClinVar aggregate classification (germline): Conflicting classifications of pathogenicity. Review status: criteria provided, conflicting classifications (1 of 4 stars). 4 submissions from 4 submitters: Uncertain significance (1); Likely benign (2). 1 of the submissions does not count toward it. Last evaluated 2026-01-27.

Conditions:
Mendelian susceptibility to mycobacterial diseases due to complete IL12RB1 deficiency. Also called: IL12RB1 DEFICIENCY; Immunodeficiency 30. Identifiers: Orphanet 319552, MedGen C4013949, MONDO:0013955, OMIM 614891.
IL12RB1-related disorder. Also called: IL12RB1-related condition.

Allele frequency attached by ClinVar (database versions not stated): gnomAD exomes 0.00056; ExAC 0.00066; gnomAD 0.00216 and 0.00233; TOPMed 0.00222; 1000 Genomes Project 30x 0.00281; 1000 Genomes Project 0.00300; ESP Exome Variant Server 0.00308.
gnomAD v4.1: 617 of 1,613,312 alleles (0.038%); highest among the groups gnomAD compares: African/African-American, 0.75%; 2 homozygotes.

Submissions (4):

Labcorp Genetics (formerly Invitae), Labcorp
Classification: Likely benign for Mendelian susceptibility to mycobacterial diseases due to complete IL12RB1 deficiency. Last evaluated: 2026-01-27. Review status: criteria provided, single submitter. Criteria: Invitae Variant Classification Sherloc (09022015). Collection method: clinical testing. Allele origin: germline.

Blueprint Genetics
Classification: Uncertain significance. Last evaluated: 2024-11-11. Review status: criteria provided, single submitter. Criteria: ACMG Guidelines, 2015. Collection method: clinical testing. Allele origin: germline.

Illumina Laboratory Services, Illumina
Classification: Likely benign for Mendelian susceptibility to mycobacterial diseases due to complete IL12RB1 deficiency. Last evaluated: 2018-01-13. Review status: criteria provided, single submitter. Criteria: ICSL Variant Classification Criteria 13 December 2019. Collection method: clinical testing. Allele origin: germline.
Comment: This variant was observed in the ICSL laboratory as part of a predisposition screen in an ostensibly healthy population. It had not been previously curated by ICSL or reported in the Human Gene Mutation Database (HGMD: prior to June 1st, 2018), and was therefore a candidate for classification through an automated scoring system. Utilizing variant allele frequency, disease prevalence and penetrance estimates, and inheritance mode, an automated score was calculated to assess if this variant is too frequent to cause the disease. Based on the score and internal cut-off values, a variant classified as likely benign is not then subjected to further curation. The score for this variant resulted in a classification of likely benign for this disease.

PreventionGenetics, part of Exact Sciences
Classification: Benign for IL12RB1-related condition. Last evaluated: 2023-12-11. Review status: no assertion criteria provided. Collection method: clinical testing. Allele origin: germline. Not counted in ClinVar's aggregate classification.
Comment: This variant is classified as benign based on ACMG/AMP sequence variant interpretation guidelines (Richards et al. 2015 PMID: 25741868, with internal and published modifications).